The following is an entry in ClinVar:

ClinVar aggregate classification (germline): Likely benign (1 of 4 stars; one submission).

Allele frequency attached by ClinVar (database versions not stated): gnomAD 0.00010; ExAC 0.00012; TOPMed 0.00012.
gnomAD v4.1: 127 of 1,602,188 alleles (0.0079%); highest among the groups gnomAD compares: Non-Finnish European, 0.01%; no homozygotes.

Submission:

CeGaT Center for Human Genetics Tuebingen
Classification: Likely benign. Last evaluated: 2023-07-01. Review status: criteria provided, single submitter. Criteria: CeGaT Center For Human Genetics Tuebingen Variant Classification Criteria Version 2. Collection method: clinical testing. Allele origin: germline. Affected: yes. Observed: 1 variant allele.
Comment: SCD5: BP4, BP7

NM_001037582.3(SCD5):c.21C>T (p.Asp7=)

Gene: SCD5 (stearoyl-CoA desaturase 5; minus strand). Cytogenetic location: 4q21.22.
Variant type: single nucleotide variant.
Coding change: c.21C>T on transcript NM_001037582.3 (MANE Select); coding-DNA position 21, C replaced by T.
Protein change: p.Asp7=; no amino-acid change (aspartic acid 7 retained).
Molecular consequence: synonymous variant.
Genome position (GRCh38, 1-based): chr4:82,798,517, G>A on the plus strand (C>T on the coding strand, the complement: SCD5 is on the minus strand). VCF-style: chr4-82798517-G-A. GRCh37 (hg19) VCF-style: chr4-83719670-G-A.
Other names: c.21C>T, p.Asp7= (NM_024906.3).
Identifiers: ClinVar variation 2578962 (VCV002578962.25), dbSNP rs765785843, ClinGen allele CA2985960.
Genomic context (GRCh38, chr4:82,798,517, plus strand): 5'-AGAGCTTTCGAGCCCGGCACGGATTTCTTCCTTGGCGTCGCAGAAAGGGATCTTCCCCGC[G>A]TCGGTGGCCGGGCCTGGCATGGCTGGGCGAGGTGGGCGCCCGCAGCAGCGGCAGGCAGGC-3'
Protein context (NP_001032671.2, residues 1-17): MPGPAT[Asp7=]AGKIPFCDAK